The following is an entry in ClinVar:

NM_199420.4(POLQ):c.1978G>T (p.Asp660Tyr)

Gene: POLQ (DNA polymerase theta; minus strand). Cytogenetic location: 3q13.33.
Variant type: single nucleotide variant.
Coding change: c.1978G>T on transcript NM_199420.4 (MANE Select); coding-DNA position 1978, G replaced by T.
Protein change: p.Asp660Tyr; replaces aspartic acid 660 with tyrosine.
Molecular consequence: missense variant.
Genome position (GRCh38, 1-based): chr3:121,498,652, C>A on the plus strand (G>T on the coding strand, the complement: POLQ is on the minus strand). VCF-style: chr3-121498652-C-A. GRCh37 (hg19) VCF-style: chr3-121217499-C-A.
Other names: short protein forms D660Y.
Identifiers: ClinVar variation 2449041 (VCV002449041.2), dbSNP rs2546794863, ClinGen allele CA354111041.

ClinVar aggregate classification (germline): Uncertain significance (1 of 4 stars; one submission).

Submission:

Ambry Genetics
Classification: Uncertain significance. Last evaluated: 2023-02-28. Review status: criteria provided, single submitter. Criteria: Ambry Variant Classification Scheme 2023. Collection method: clinical testing. Allele origin: germline.
Comment: The p.D660Y variant (also known as c.1978G>T), located in coding exon 13 of the POLQ gene, results from a G to T substitution at nucleotide position 1978. The aspartic acid at codon 660 is replaced by tyrosine, an amino acid with highly dissimilar properties. This amino acid position is conserved. In addition, the in silico prediction for this alteration is inconclusive. Since supporting evidence is limited at this time, the clinical significance of this alteration remains unclear.